The following is an entry in ClinVar:

NM_004958.4(MTOR):c.254G>A (p.Gly85Asp)

Gene: MTOR (mechanistic target of rapamycin kinase; minus strand). Cytogenetic location: 1p36.22.
Variant type: single nucleotide variant.
Coding change: c.254G>A on transcript NM_004958.4 (MANE Select); coding-DNA position 254, G replaced by A.
Protein change: p.Gly85Asp; replaces glycine 85 with aspartic acid.
Molecular consequence: missense variant. On other transcripts: 5 prime UTR variant (1).
Genome position (GRCh38, 1-based): chr1:11,258,502, C>T on the plus strand (G>A on the coding strand, the complement: MTOR is on the minus strand). VCF-style: chr1-11258502-C-T. GRCh37 (hg19) VCF-style: chr1-11318559-C-T.
Other names: c.254G>A, p.Gly85Asp (NM_001386500.1); c.-886G>A (NM_001386501.1); short protein forms G85D.
Identifiers: ClinVar variation 1997509 (VCV001997509.4), dbSNP rs2523469033, ClinGen allele CA338404719.

ClinVar aggregate classification (germline): Uncertain significance (1 of 4 stars; one submission).

Submission:

Labcorp Genetics (formerly Invitae), Labcorp
Classification: Uncertain significance. Last evaluated: 2022-09-06. Review status: criteria provided, single submitter. Criteria: Invitae Variant Classification Sherloc (09022015). Collection method: clinical testing. Allele origin: germline.
Comment: In summary, the available evidence is currently insufficient to determine the role of this variant in disease. Therefore, it has been classified as a Variant of Uncertain Significance. Advanced modeling of protein sequence and biophysical properties (such as structural, functional, and spatial information, amino acid conservation, physicochemical variation, residue mobility, and thermodynamic stability) performed at Invitae indicates that this missense variant is expected to disrupt MTOR protein function. This variant has not been reported in the literature in individuals affected with MTOR-related conditions. This variant is not present in population databases (gnomAD no frequency). This sequence change replaces glycine, which is neutral and non-polar, with aspartic acid, which is acidic and polar, at codon 85 of the MTOR protein (p.Gly85Asp).